The following is an entry in ClinVar:

ClinVar aggregate classification (germline): Likely benign (0 of 4 stars; one submission).

Conditions:
TEX13C-related disorder. Also called: TEX13C-related condition.

Allele frequency attached by ClinVar (database versions not stated): gnomAD 0.00005.
gnomAD v4.1: 38 of 512,893 alleles (0.0074%); highest among the groups gnomAD compares: Middle Eastern, 0.093%; 1 homozygote.

Submission:

PreventionGenetics, part of Exact Sciences
Classification: Likely benign for TEX13C-related condition. Last evaluated: 2022-10-23. Review status: no assertion criteria provided. Collection method: clinical testing. Allele origin: germline.
Comment: This variant is classified as likely benign based on ACMG/AMP sequence variant interpretation guidelines (Richards et al. 2015 PMID: 25741868, with internal and published modifications).

NM_001195272.2(TEX13C):c.1245C>T (p.Asp415=)

Gene: TEX13C (TEX13 family member C; plus strand). Cytogenetic location: Xq25.
Variant type: single nucleotide variant.
Coding change: c.1245C>T on transcript NM_001195272.2 (MANE Select); coding-DNA position 1245, C replaced by T.
Protein change: p.Asp415=; no amino-acid change (aspartic acid 415 retained).
Molecular consequence: synonymous variant.
Genome position (GRCh38, 1-based): chrX:125,321,364, C>T. VCF-style: chrX-125321364-C-T. GRCh37 (hg19) VCF-style: chrX-124455213-C-T.
Identifiers: ClinVar variation 3045899 (VCV003045899.2), dbSNP rs1046703376, ClinGen allele CA335366168.